The following is an entry in ClinVar:

ClinVar aggregate classification (germline): Uncertain significance. Review status: criteria provided, multiple submitters, no conflicts (2 of 4 stars). 2 submissions from 2 submitters: Uncertain significance (2). Last evaluated 2025-04-12.

Conditions:
ZNF469-related disorder. Also called: ZNF469-related condition.
Cardiovascular phenotype. Identifiers: MedGen CN230736.

Allele frequency attached by ClinVar (database versions not stated): gnomAD exomes 0.00001; gnomAD 0.00002; TOPMed 0.00003; 1000 Genomes Project 30x 0.00016.
gnomAD v4.1: 9 of 1,550,152 alleles (0.00058%); highest among the groups gnomAD compares: Admixed American, 0.012%; no homozygotes.

Submissions (2):

Ambry Genetics
Classification: Uncertain significance for Cardiovascular phenotype. Last evaluated: 2025-04-12. Review status: criteria provided, single submitter. Criteria: Ambry Variant Classification Scheme 2023. Collection method: clinical testing. Allele origin: germline.

PreventionGenetics, part of Exact Sciences
Classification: Uncertain significance for ZNF469-related condition. Last evaluated: 2024-11-21. Review status: criteria provided, single submitter. Criteria: ACMG Guidelines, 2015. Collection method: clinical testing. Allele origin: germline.
Comment: The ZNF469 c.11222G>C variant is predicted to result in the amino acid substitution p.Ser3741Thr. To our knowledge, this variant has not been reported in the literature. This variant is reported in 0.014% of alleles in individuals of African descent in gnomAD. At this time, the clinical significance of this variant is uncertain due to the absence of conclusive functional and genetic evidence.

NM_001367624.2(ZNF469):c.11306G>C (p.Ser3769Thr)

Gene: ZNF469 (zinc finger protein 469; plus strand). Cytogenetic location: 16q24.2.
Variant type: single nucleotide variant.
Coding change: c.11306G>C on transcript NM_001367624.2 (MANE Select); coding-DNA position 11306, G replaced by C.
Protein change: p.Ser3769Thr; replaces serine 3769 with threonine.
Molecular consequence: missense variant.
Genome position (GRCh38, 1-based): chr16:88,438,776, G>C. VCF-style: chr16-88438776-G-C. GRCh37 (hg19) VCF-style: chr16-88505184-G-C.
Other names: NM_001127464.1:c.11222G>C; NM_001127464.2:c.11222G>C; short protein forms S3769T.
Identifiers: ClinVar variation 3232744 (VCV003232744.3), dbSNP rs776930117, ClinGen allele CA8225600.